The following is an entry in ClinVar:

NM_018833.3(TAP2):c.1939C>T (p.Leu647Phe)

Gene: TAP2 (transporter 2, ATP binding cassette subfamily B member; minus strand). Cytogenetic location: 6p21.32.
Variant type: single nucleotide variant.
Coding change: c.1939C>T on transcript NM_018833.3; coding-DNA position 1939, C replaced by T.
Protein change: p.Leu647Phe; replaces leucine 647 with phenylalanine.
Molecular consequence: missense variant.
Genome position (GRCh38, 1-based): chr6:32,822,312, G>A on the plus strand (C>T on the coding strand, the complement: TAP2 is on the minus strand). VCF-style: chr6-32822312-G-A. GRCh37 (hg19) VCF-style: chr6-32790089-G-A.
Other names: short protein forms L647F.
Identifiers: ClinVar variation 403507 (VCV000403507.7), dbSNP rs16870908, ClinGen allele CA3745698.

ClinVar aggregate classification (germline): Benign. Review status: criteria provided, single submitter (1 of 4 stars). 2 submissions from 2 submitters: Benign (1). 1 of the submissions does not count toward it. Last evaluated 2016-03-28.

Conditions:
TAP2-related disorder. Also called: TAP2-related condition.

Allele frequency attached by ClinVar (database versions not stated): gnomAD exomes 0.06125 and 0.04889; ExAC 0.07805; ESP Exome Variant Server 0.10227; 1000 Genomes Project 0.10323; TOPMed 0.10646; gnomAD 0.10895 and 0.10403; 1000 Genomes Project 30x 0.10821.
gnomAD v4.1: 83,182 of 1,528,880 alleles (5.4%); highest among the groups gnomAD compares: African/African-American, 22%; 3,629 homozygotes.

Submissions (2):

Laboratory for Molecular Medicine, Mass General Brigham Personalized Medicine
Classification: Benign. Last evaluated: 2016-03-28. Review status: criteria provided, single submitter. Criteria: LMM Criteria. Collection method: clinical testing. Allele origin: germline.
Comment: Variant identified in a genome or exome case(s) and assessed due to predicted null impact of the variant or pathogenic assertions in the literature or databases. Disclaimer: This variant has not undergone full assessment. The following are preliminary notes: Frequency

PreventionGenetics, part of Exact Sciences
Classification: Benign for TAP2-related condition. Last evaluated: 2019-07-08. Review status: no assertion criteria provided. Collection method: clinical testing. Allele origin: germline. Not counted in ClinVar's aggregate classification.
Comment: This variant is classified as benign based on ACMG/AMP sequence variant interpretation guidelines (Richards et al. 2015 PMID: 25741868, with internal and published modifications).